The following is an entry in ClinVar:

NM_003560.4(PLA2G6):c.1771C>T (p.Arg591Trp)

Gene: PLA2G6 (phospholipase A2 group VI; minus strand). Cytogenetic location: 22q13.1.
Variant type: single nucleotide variant.
Coding change: c.1771C>T on transcript NM_003560.4 (MANE Select); coding-DNA position 1771, C replaced by T.
Protein change: p.Arg591Trp; replaces arginine 591 with tryptophan.
Molecular consequence: missense variant.
Genome position (GRCh38, 1-based): chr22:38,116,183, G>A on the plus strand (C>T on the coding strand, the complement: PLA2G6 is on the minus strand). VCF-style: chr22-38116183-G-A. GRCh37 (hg19) VCF-style: chr22-38512190-G-A.
Other names: NM_003560.4(PLA2G6):c.1771C>T; p.Arg591Trp; c.1771C>T (NM_003560.2); c.1609C>T, p.Arg537Trp (NM_001004426.3, NM_001199562.3, NM_001349865.2 and 1 more transcripts); c.1771C>T, p.Arg591Trp (NM_001349864.2); c.1237C>T, p.Arg413Trp (NM_001349867.2); c.1093C>T, p.Arg365Trp (NM_001349868.2); c.1075C>T, p.Arg359Trp (NM_001349869.2); short protein forms R359W, R365W, R413W, R537W, R591W.
Identifiers: ClinVar variation 1298894 (VCV001298894.42), dbSNP rs1043378899, ClinGen allele CA324184037.
Genomic context (GRCh38, chr22:38,116,183, plus strand): 5'-GCTCCCGGACAGTTTCTGGAGCATCGTAGTTCCGGAAGAGGTGGAGTTCAGCCGGCTGCC[G>A]GTCAGACAGTGTCCCTGTCAGCATCACCCTGGAGAGAAATGAGGCAGGAGGACGGCTGAG-3'
Protein context (NP_003551.2, residues 581-601): KVMLTGTLSD[Arg591Trp]QPAELHLFRN

ClinVar aggregate classification (germline): Pathogenic/Likely pathogenic. Review status: criteria provided, multiple submitters, no conflicts (2 of 4 stars). 4 submissions from 4 submitters: Pathogenic (3); Likely pathogenic (1). Last evaluated 2026-05-05.

Conditions:
PLA2G6-associated neurodegeneration (PLAN). Also called: phospholipase A2-associated neurodegeneration. Identifiers: Orphanet 329303, MedGen CN204472, MONDO:0017998.
Infantile neuroaxonal dystrophy (NBIA2A). Also called: NEURODEGENERATION WITH BRAIN IRON ACCUMULATION 2A; Infantile neuroaxonal dystrophy 1; SEITELBERGER DISEASE. Identifiers: Orphanet 35069, MedGen C0270724, MONDO:0024457, OMIM 256600.
PLA2G6-related disorder. Also called: PLA2G6-related condition.

Allele frequency attached by ClinVar (database versions not stated): gnomAD 0.00001; gnomAD exomes 0.00001; TOPMed 0.00001.
gnomAD v4.1: 9 of 1,613,846 alleles (0.00056%); highest among the groups gnomAD compares: African/African-American, 0.004%; no homozygotes.

Submissions (4):

PreventionGenetics, part of Exact Sciences
Classification: Pathogenic for PLA2G6-related condition. Last evaluated: 2026-05-05. Review status: criteria provided, single submitter. Criteria: ACMG Guidelines, 2015. Collection method: clinical testing. Allele origin: germline.
Comment: The PLA2G6 c.1771C>T variant is predicted to result in the amino acid substitution p.Arg591Trp. This variant, referred to as c.1075C>T, p.Arg359Trp in the alternate transcript NM_001349869, has been reported in the homozygous or compound heterozygous state in multiple individuals with autosomal recessive infantile neuroaxonal dystrophy (INAD, Wu et al. 2009. PubMed ID: 19138334; Li et al. 2016. PubMed ID: 27882168; Bhardwaj et al. 2021. PubMed ID: 34272103), has also been reported in combination with other PLA2G6 variants in individuals with developmental disorders and neurological degeneration with or without brain atrophy (Erro R. et al. 2017. PubMed ID: 30868093; Cai et al. 2024. PubMed ID: 38699051), and has been reported in an individual with later-onset ataxia with Parkinsonian features (Supplementary Table 2, Sun et al. 2023. PubMed ID: 37198191). An alternate missense variant at the same amino acid position (p.Arg591Gln) has been reported in individuals affected with PLA2G6-related autosomal recessive disorders (Morgan et al. 2006. PubMed ID: 16783378; Sarigecilli et al. 2025. PubMed ID: 40754933; Yigit et al. 2026. PubMed ID: 41835067) and is classified as likely pathogenic or pathogenic in ClinVar (Variation ID: 803691). The c.1771C>T variant is reported in 0.011% of alleles in individuals of African descent in gnomAD and is classified as likely pathogenic or pathogenic in ClinVar (Variation ID: 1298894). This variant is interpreted as pathogenic.

Labcorp Genetics (formerly Invitae), Labcorp
Classification: Pathogenic for Infantile neuroaxonal dystrophy. Last evaluated: 2025-06-24. Review status: criteria provided, single submitter. Criteria: Invitae Variant Classification Sherloc (09022015). Collection method: clinical testing. Allele origin: germline.
Comment: This sequence change replaces arginine, which is basic and polar, with tryptophan, which is neutral and slightly polar, at codon 591 of the PLA2G6 protein (p.Arg591Trp). This variant is present in population databases (no rsID available, gnomAD 0.01%). This missense change has been observed in individuals with PLA2G6-related conditions (PMID: 19138334, 27882168, 34272103). ClinVar contains an entry for this variant (Variation ID: 1298894). Invitae Evidence Modeling of protein sequence and biophysical properties (such as structural, functional, and spatial information, amino acid conservation, physicochemical variation, residue mobility, and thermodynamic stability) indicates that this missense variant is expected to disrupt PLA2G6 protein function with a positive predictive value of 80%. For these reasons, this variant has been classified as Pathogenic.

Broad Center for Mendelian Genomics, Broad Institute of MIT and Harvard
Classification: Likely pathogenic for PLA2G6-associated neurodegeneration. Last evaluated: 2023-01-24. Review status: criteria provided, single submitter. Criteria: ACMG Guidelines, 2015. Collection method: curation. Allele origin: germline. Inheritance: Autosomal recessive inheritance.
Comment: The p.Arg591Trp variant in PLA2G6 has been reported in 8 individuals with PLA2G6-associated neurodegeneration (PMID: 19138334, 34272103, 33101984, 27882168, 32005694, 30868093), and has been identified in 0.01% (1/8704) of African/African American chromosomes by the Genome Aggregation Database (gnomAD; dbSNP ID: rs1043378899). Although this variant has been seen in the general population in a heterozygous state, its frequency is low enough to be consistent with a recessive carrier frequency. This variant has also been reported in ClinVar (Variation ID#: 1298894) and has been interpreted as pathogenic by CeGaT Praxis fuer Humangenetik Tuebingen and Invitae. Of the 8 affected individuals, 2 of those were homozygotes, 2 were compound heterozygotes that carried variants of uncertain significance in trans, and 1 was a compound heterozygote that carried a reported pathogenic variant with unknown phase, which increases the likelihood that the p.Arg591Trp variant is pathogenic (Variant ID: 1034007, 6198; PMID: 19138334, 34272103, 33101984). Computational prediction tools and conservation analyses suggest that this variant may impact the protein, though this information is not predictive enough to determine pathogenicity. In summary, although additional studies are required to fully establish its clinical significance, this variant is likely pathogenic for autosomal recessive PLA2G6-associated neurodegeneration. ACMG/AMP Criteria applied: PP3, PM2_supporting, PM3_strong (Richards 2015).

CeGaT Center for Human Genetics Tuebingen
Classification: Pathogenic. Last evaluated: 2021-09-01. Review status: criteria provided, single submitter. Criteria: CeGaT Center For Human Genetics Tuebingen Variant Classification Criteria Version 2. Collection method: clinical testing. Allele origin: germline. Affected: yes. Observed: 1 variant allele.

Literature cited by the submitters: PubMed 19138334 (cited by Labcorp Genetics (formerly Invitae), Labcorp); PubMed 27882168 (cited by Labcorp Genetics (formerly Invitae), Labcorp); PubMed 34272103 (cited by Labcorp Genetics (formerly Invitae), Labcorp).